The following is an entry in ClinVar:

ClinVar aggregate classification (germline): Benign (1 of 4 stars; one submission).

Conditions:
Melanoma-pancreatic cancer syndrome. Identifiers: Orphanet 404560, MedGen C1838547, MONDO:0011713, OMIM 606719. Disease mechanism: loss of function.

gnomAD v4.1: 3 of 1,606,716 alleles (0.00019%); highest among the groups gnomAD compares: South Asian, 0.0011%; no homozygotes.

Submission:

Myriad Genetics, Inc.
Classification: Benign for Melanoma-pancreatic cancer syndrome. Last evaluated: 2025-08-12. Review status: criteria provided, single submitter. Criteria: Myriad Autosomal Dominant, Autosomal Recessive and X-Linked Classification Criteria (2023). Collection method: clinical testing. Allele origin: unknown.
Comment: This variant is considered benign. This variant is a silent/synonymous amino acid change and it is not expected to impact splicing.

NM_058195.4(CDKN2A):c.129G>A (p.Val43=)

Gene: CDKN2A (cyclin dependent kinase inhibitor 2A; minus strand). Cytogenetic location: 9p21.3.
Variant type: single nucleotide variant.
Coding change: c.129G>A on transcript NM_058195.4 (MANE Plus Clinical); coding-DNA position 129, G replaced by A.
Protein change: p.Val43=; no amino-acid change (valine 43 retained).
Molecular consequence: synonymous variant. On other transcripts: intron variant (1).
Genome position (GRCh38, 1-based): chr9:21,994,203, C>T on the plus strand (G>A on the coding strand, the complement: CDKN2A is on the minus strand). VCF-style: chr9-21994203-C-T. GRCh37 (hg19) VCF-style: chr9-21994202-C-T.
Other names: c.-4+618G>A (NM_001363763.2).
Identifiers: ClinVar variation 4294109 (VCV004294109.1).